The following is an entry in ClinVar:

NM_015192.4(PLCB1):c.2552C>T (p.Ala851Val)

Gene: PLCB1 (phospholipase C beta 1; plus strand). Cytogenetic location: 20p12.3.
Variant type: single nucleotide variant.
Coding change: c.2552C>T on transcript NM_015192.4 (MANE Select); coding-DNA position 2552, C replaced by T.
Protein change: p.Ala851Val; replaces alanine 851 with valine.
Molecular consequence: missense variant.
Genome position (GRCh38, 1-based): chr20:8,757,074, C>T. VCF-style: chr20-8757074-C-T. GRCh37 (hg19) VCF-style: chr20-8737721-C-T.
Other names: c.2552C>T, p.Ala851Val (NM_182734.3); short protein forms A851V.
Identifiers: ClinVar variation 1467050 (VCV001467050.8), dbSNP rs1326445069, ClinGen allele CA408206966.

ClinVar aggregate classification (germline): Uncertain significance (1 of 4 stars; one submission).

Conditions:
Developmental and epileptic encephalopathy, 12 (DEE12). Identifiers: MedGen C3150988, MONDO:0013389, OMIM 613722.

Allele frequency attached by ClinVar (database versions not stated): gnomAD exomes below 0.00001; TOPMed below 0.00001; gnomAD 0.00001.
gnomAD v4.1: 3 of 1,611,874 alleles (0.00019%); highest among the groups gnomAD compares: Non-Finnish European, 0.00025%; no homozygotes.

Submission:

Labcorp Genetics (formerly Invitae), Labcorp
Classification: Uncertain significance for Developmental and epileptic encephalopathy, 12. Last evaluated: 2024-10-16. Review status: criteria provided, single submitter. Criteria: Invitae Variant Classification Sherloc (09022015). Collection method: clinical testing. Allele origin: germline.
Comment: This sequence change replaces alanine, which is neutral and non-polar, with valine, which is neutral and non-polar, at codon 851 of the PLCB1 protein (p.Ala851Val). This variant is not present in population databases (gnomAD no frequency). This variant has not been reported in the literature in individuals affected with PLCB1-related conditions. ClinVar contains an entry for this variant (Variation ID: 1467050). Invitae Evidence Modeling of protein sequence and biophysical properties (such as structural, functional, and spatial information, amino acid conservation, physicochemical variation, residue mobility, and thermodynamic stability) indicates that this missense variant is not expected to disrupt PLCB1 protein function with a negative predictive value of 80%. In summary, the available evidence is currently insufficient to determine the role of this variant in disease. Therefore, it has been classified as a Variant of Uncertain Significance.